The following is an entry in ClinVar:

ClinVar aggregate classification (germline): Likely pathogenic (1 of 4 stars; one submission).

Submission:

GeneDx
Classification: Likely pathogenic. Last evaluated: 2015-10-06. Review status: criteria provided, single submitter. Criteria: GeneDx Variant Classification (06012015). Collection method: clinical testing. Allele origin: germline. Affected: yes.
Comment: The W1676R variant in the SHANK3 gene has not been published as a pathogenic variant, nor has it been reported as a benign polymorphism to our knowledge. The W1676R variant was not observed in approximately 4700 individuals of European and African American ancestry in the NHLBI Exome Sequencing Project, indicating it is not a common benign variant in these populations. The W1676R variant is a non-conservative amino acid substitution, which is likely to impact secondary protein structure as these residues differ in polarity, charge, size and/or other properties. This substitution occurs at a position that is conserved across species. In silico analysis is inconsistent in its predictions as to whether or not the variant is damaging to the protein structure/function. The W1676R variant is a strong candidate for a pathogenic variant however the possibility it may be a rare benign variant cannot be excluded.

NM_001372044.2(SHANK3):c.5251T>C (p.Trp1751Arg)

Gene: SHANK3 (SH3 and multiple ankyrin repeat domains 3; plus strand). Cytogenetic location: 22q13.33.
Variant type: single nucleotide variant.
Coding change: c.5251T>C on transcript NM_001372044.2 (MANE Select); coding-DNA position 5251, T replaced by C.
Protein change: p.Trp1751Arg; replaces tryptophan 1751 with arginine.
Molecular consequence: missense variant.
Genome position (GRCh38, 1-based): chr22:50,731,142, T>C. VCF-style: chr22-50731142-T-C. GRCh37 (hg19) VCF-style: chr22-51169570-T-C.
Other names: c.5026T>C, p.Trp1676Arg (NM_033517.1); short protein forms W1676R, W1751R.
Identifiers: ClinVar variation 429580 (VCV000429580.2), dbSNP rs1131691469, ClinGen allele CA515267737.
Genomic context (GRCh38, chr22:50,731,142, plus strand): 5'-CCACGCCGACCCTTCCAGCAGAAGCCGCTGCAGCTCTGGAGCAAGTTCGACGTGGGCGAC[T>C]GGCTGGAGAGCATCCACCTAGGCGAGCACCGCGACCGCTTCGAGGACCATGAGATAGAAG-3'
Protein context (NP_001358973.1, residues 1741-1761): QLWSKFDVGD[Trp1751Arg]LESIHLGEHR